The following is an entry in ClinVar:

ClinVar aggregate classification (germline): Uncertain significance (0 of 4 stars; one submission).

Submission:

Leiden Open Variation Database
Classification: Uncertain significance. Last evaluated: 2018-10-10. Review status: no assertion criteria provided. Collection method: curation. Allele origin: germline. Affected: yes.
Comment: Curators: Marc Tischkowitz, Arleen D. Auerbach. Submitter to LOVD: Yukihide Momozawa.

Literature cited by the submitters: PubMed 30287823.

NM_024675.4(PALB2):c.2554C>A (p.Pro852Thr)

Gene: PALB2 (partner and localizer of BRCA2; minus strand). Cytogenetic location: 16p12.2.
Variant type: single nucleotide variant.
Coding change: c.2554C>A on transcript NM_024675.4 (MANE Select); coding-DNA position 2554, C replaced by A.
Protein change: p.Pro852Thr; replaces proline 852 with threonine.
Molecular consequence: missense variant.
Genome position (GRCh38, 1-based): chr16:23,629,236, G>T on the plus strand (C>A on the coding strand, the complement: PALB2 is on the minus strand). VCF-style: chr16-23629236-G-T. GRCh37 (hg19) VCF-style: chr16-23640557-G-T.
Other names: short protein forms P852T.
Identifiers: ClinVar variation 830171 (VCV000830171.1), dbSNP rs1457487266, ClinGen allele CA395123757.